The following is an entry in ClinVar:

ClinVar aggregate classification (germline): Uncertain significance (1 of 4 stars; one submission).

Submission:

Labcorp Genetics (formerly Invitae), Labcorp
Classification: Uncertain significance. Last evaluated: 2022-04-25. Review status: criteria provided, single submitter. Criteria: Invitae Variant Classification Sherloc (09022015). Collection method: clinical testing. Allele origin: germline.
Comment: This variant has not been reported in the literature in individuals affected with MCM3AP-related conditions. In summary, the available evidence is currently insufficient to determine the role of this variant in disease. Therefore, it has been classified as a Variant of Uncertain Significance. Experimental studies and prediction algorithms are not available or were not evaluated, and the functional significance of this variant is currently unknown. This variant is not present in population databases (gnomAD no frequency). This sequence change creates a premature translational stop signal (p.Val1923Asnfs*3) in the MCM3AP gene. While this is not anticipated to result in nonsense mediated decay, it is expected to disrupt the last 58 amino acid(s) of the MCM3AP protein.

NM_003906.5(MCM3AP):c.5767_5768del (p.Val1923fs)

Genes: MCM3AP (minichromosome maintenance complex component 3 associated protein; minus strand), MCM3AP-AS1 (MCM3AP antisense RNA 1; plus strand). Cytogenetic location: 21q22.3.
Variant type: Deletion.
Coding change: c.5767_5768del on transcript NM_003906.5 (MANE Select); coding-DNA positions 5767 to 5768, 2 bases deleted (GT; older notation c.5767_5768delGT).
Protein change: p.Val1923fs; shifts the reading frame from valine 1923.
Molecular consequence: frameshift variant.
Genome position (GRCh38, 1-based): chr21:46,236,845-46,236,846, AC deleted on the plus strand (GT on the coding strand, the reverse complement: MCM3AP is on the minus strand); deleting any 2 consecutive bases within chr21:46,236,845-46,236,847 gives the same sequence; the c. name uses the placement nearest the transcript's 3' end. VCF-style (leftmost placement, unchanged base first): chr21-46236844-TAC-T. GRCh37 (hg19) VCF-style: chr21-47656758-TAC-T.
Other names: short protein forms V1923fs.
Identifiers: ClinVar variation 1423176 (VCV001423176.6), dbSNP rs2123795293, ClinGen allele CA2573157519.
Genomic context (GRCh38, chr21:46,236,844, plus strand): 5'-ATCTTTAATTCTTATGTAAATGCCAAATGTATACGTTCTTCTCACCTGTGGGCTAGTAGT[TAC>T]AGATGTTTTCATCACAGGTTCAATAGTGTGAGAAAGAGACACTAGAGTCTGAGGAAGATA-3'